The following is an entry in ClinVar:

ClinVar aggregate classification (germline): Uncertain significance. Review status: criteria provided, multiple submitters, no conflicts (2 of 4 stars). 3 submissions from 3 submitters: Uncertain significance (2). 1 of the submissions does not count toward it. Last evaluated 2025-01-23.

Conditions:
Peroxisome biogenesis disorder. Identifiers: Orphanet 79189, MedGen C1832200, MONDO:0019234. Disease mechanism: loss of function.
Inborn genetic diseases. Identifiers: MedGen C0950123, MeSH D030342.
PEX6-related disorder. Also called: PEX6-related condition; PEX6-related disorders.

Allele frequency attached by ClinVar (database versions not stated): gnomAD 0.00004; ExAC 0.00008; 1000 Genomes Project 30x 0.00016; 1000 Genomes Project 0.00020.
gnomAD v4.1: 36 of 1,604,776 alleles (0.0022%); highest among the groups gnomAD compares: East Asian, 0.022%; no homozygotes.

Submissions (3):

Labcorp Genetics (formerly Invitae), Labcorp
Classification: Uncertain significance for Peroxisome biogenesis disorder. Last evaluated: 2025-01-23. Review status: criteria provided, single submitter. Criteria: Invitae Variant Classification Sherloc (09022015). Collection method: clinical testing. Allele origin: germline.
Comment: This sequence change replaces valine, which is neutral and non-polar, with methionine, which is neutral and non-polar, at codon 181 of the PEX6 protein (p.Val181Met). This variant is present in population databases (rs372248987, gnomAD 0.03%). This variant has not been reported in the literature in individuals affected with PEX6-related conditions. ClinVar contains an entry for this variant (Variation ID: 2201943). An algorithm developed to predict the effect of missense changes on protein structure and function (PolyPhen-2) suggests that this variant¬†is likely to be tolerated. In summary, the available evidence is currently insufficient to determine the role of this variant in disease. Therefore, it has been classified as a Variant of Uncertain Significance.

Ambry Genetics
Classification: Uncertain significance for Inborn genetic diseases. Last evaluated: 2024-04-08. Review status: criteria provided, single submitter. Criteria: Ambry Variant Classification Scheme 2023. Collection method: clinical testing. Allele origin: germline.

PreventionGenetics, part of Exact Sciences
Classification: Uncertain significance for PEX6-related condition. Last evaluated: 2024-02-02. Review status: no assertion criteria provided. Collection method: clinical testing. Allele origin: germline. Not counted in ClinVar's aggregate classification.
Comment: The PEX6 c.541G>A variant is predicted to result in the amino acid substitution p.Val181Met. To our knowledge, this variant has not been reported in the literature. This variant is reported in 0.035% of alleles in individuals of East Asian descent in gnomAD. At this time, the clinical significance of this variant is uncertain due to the absence of conclusive functional and genetic evidence.

NM_000287.4(PEX6):c.541G>A (p.Val181Met)

Gene: PEX6 (peroxisomal biogenesis factor 6; minus strand). Cytogenetic location: 6p21.1.
Variant type: single nucleotide variant.
Coding change: c.541G>A on transcript NM_000287.4 (MANE Select); coding-DNA position 541, G replaced by A.
Protein change: p.Val181Met; replaces valine 181 with methionine.
Molecular consequence: missense variant. On other transcripts: non-coding transcript variant (1).
Genome position (GRCh38, 1-based): chr6:42,978,610, C>T on the plus strand (G>A on the coding strand, the complement: PEX6 is on the minus strand). VCF-style: chr6-42978610-C-T. GRCh37 (hg19) VCF-style: chr6-42946348-C-T.
Other names: c.541G>A, p.Val181Met (NM_001316313.2); c.541G>A (NM_000287.3); short protein forms V181M.
Identifiers: ClinVar variation 2201943 (VCV002201943.5), dbSNP rs372248987, ClinGen allele CA3811607.
Genomic context (GRCh38, chr6:42,978,610, plus strand): 5'-TCCCTCCCAGAACTCCCTGGAGTCGCCGCACTGTGCCAGAAACCGCAAAGGAGGACACCA[C>T]GGGCGGGGGTGGGGGCCGACTGCTGTCCCCAGACTCTGGACACAGTCTGGCCCGCCCGCG-3'
Protein context (NP_000278.3, residues 171-191): GDSSRPPPPP[Val181Met]VSSFAVSGTV